The following is an entry in ClinVar:

ClinVar aggregate classification (germline): Uncertain significance (1 of 4 stars; one submission).

Conditions:
Emery-Dreifuss muscular dystrophy (EDMD). Also called: Scapuloperoneal syndrome, X-linked (formerly); Humeroperoneal neuromuscular disease, (formerly). Identifiers: Orphanet 261, MedGen C0410189, MONDO:0016830.

Submission:

Labcorp Genetics (formerly Invitae), Labcorp
Classification: Uncertain significance for Emery-Dreifuss muscular dystrophy. Last evaluated: 2022-08-31. Review status: criteria provided, single submitter. Criteria: Invitae Variant Classification Sherloc (09022015). Collection method: clinical testing. Allele origin: germline.
Comment: This variant, c.1421_1429del, is a complex sequence change that results in the deletion of 4 and insertion of 1 amino acid(s) in the SUN2 protein (p.Gly474_Gln477delinsGlu). This variant is not present in population databases (gnomAD no frequency). In summary, the available evidence is currently insufficient to determine the role of this variant in disease. Therefore, it has been classified as a Variant of Uncertain Significance. Experimental studies and prediction algorithms are not available or were not evaluated, and the functional significance of this variant is currently unknown. ClinVar contains an entry for this variant (Variation ID: 1500776). This variant has not been reported in the literature in individuals affected with SUN2-related conditions.

NM_015374.3(SUN2):c.1421_1429del (p.Gly474_Gln477delinsGlu)

Genes: GTPBP1 (GTP binding protein 1; plus strand), SUN2 (Sad1 and UNC84 domain containing 2; minus strand). Cytogenetic location: 22q13.1.
Variant type: Deletion.
Coding change: c.1421_1429del on transcript NM_015374.3 (MANE Select); coding-DNA positions 1421 to 1429, 9 bases deleted (GGCTCCTTC; older notation c.1421_1429delGGCTCCTTC).
Protein change: p.Gly474_Gln477delinsGlu.
Molecular consequence: inframe indel.
Genome position (GRCh38, 1-based): chr22:38,739,871-38,739,879, GAAGGAGCC deleted on the plus strand (GGCTCCTTC on the coding strand, the reverse complement: SUN2 is on the minus strand). VCF-style (leftmost placement, unchanged base first): chr22-38739870-TGAAGGAGCC-T. GRCh37 (hg19) VCF-style: chr22-39135875-TGAAGGAGCC-T.
Other names: c.1022_1030del, p.Gly341_Gln344delinsGlu (NM_001394442.1); c.929_937del, p.Gly310_Gln313delinsGlu (NM_001394443.1); c.845_853del, p.Gly282_Gln285delinsGlu (NM_001394444.1, NM_001394445.1); c.1484_1492del, p.Gly495_Gln498delinsGlu (NM_001199579.2, NM_001394428.1); c.1421_1429del, p.Gly474_Gln477delinsGlu (NM_001199580.2, NM_001394431.1, NM_001394432.1 and 5 more transcripts); c.1514_1522del, p.Gly505_Gln508delinsGlu (NM_001394427.1); c.1466_1474del, p.Gly489_Gln492delinsGlu (NM_001394429.1, NM_001394430.1); c.1331_1339del, p.Gly444_Gln447delinsGlu (NM_001394438.1); and 1 more.
Identifiers: ClinVar variation 1500776 (VCV001500776.8), dbSNP rs2145950062, ClinGen allele CA2573158186.
Genomic context (GRCh38, chr22:38,739,870, plus strand): 5'-GCCACATGGGTGAGGATCTTGCTCTCCAGCTCTCGCAGCTGAGCTTGCATCTCCTCTCTC[TGAAGGAGCC>T]CCACGCGGCCCCCTCCACCTCGGGCAAGGAACTGACTGATCCAGGCCGGGAACTGAGATT-3'